The following is an entry in ClinVar:

NM_001111125.3(IQSEC2):c.1684A>G (p.Thr562Ala)

Gene: IQSEC2 (IQ motif and Sec7 domain ArfGEF 2; minus strand). Cytogenetic location: Xp11.22.
Variant type: single nucleotide variant.
Coding change: c.1684A>G on transcript NM_001111125.3 (MANE Select); coding-DNA position 1684, A replaced by G.
Protein change: p.Thr562Ala; replaces threonine 562 with alanine.
Molecular consequence: missense variant.
Genome position (GRCh38, 1-based): chrX:53,250,892, T>C on the plus strand (A>G on the coding strand, the complement: IQSEC2 is on the minus strand). VCF-style: chrX-53250892-T-C. GRCh37 (hg19) VCF-style: chrX-53280074-T-C.
Other names: c.1069A>G, p.Thr357Ala (NM_015075.2); short protein forms T357A, T562A.
Identifiers: ClinVar variation 1370141 (VCV001370141.8), dbSNP rs1556863333, ClinGen allele CA413164596.
Genomic context (GRCh38, chrX:53,250,892, plus strand): 5'-GGCACTCCAAGCACCCGGGACCCCTGCGAGTGCCTTCCTCACGGCTACCGTCTTCCCGGG[T>C]TCCTGATGGCACTGGTGGAGGAACTGGCGGGAGAGGGGCTGGCGCCCAGAACTCGGGCCG-3'
Protein context (NP_001104595.1, residues 552-572): PPVPPPVPSG[Thr562Ala]REDGSREEGT

ClinVar aggregate classification (germline): Uncertain significance (1 of 4 stars; one submission).

Conditions:
Intellectual developmental disorder, X-linked 1. Also called: Atkin Flaitz Patil Smith syndrome; Intellectual disability, X-linked 1; MENTAL RETARDATION, X-LINKED 18; MENTAL RETARDATION, X-LINKED 78. Identifiers: Orphanet 777, MedGen C2931498, MONDO:0010656, OMIM 309530.

Submission:

Labcorp Genetics (formerly Invitae), Labcorp
Classification: Uncertain significance for Intellectual developmental disorder, X-linked 1. Last evaluated: 2023-03-07. Review status: criteria provided, single submitter. Criteria: Invitae Variant Classification Sherloc (09022015). Collection method: clinical testing. Allele origin: germline.
Comment: This sequence change replaces threonine, which is neutral and polar, with alanine, which is neutral and non-polar, at codon 562 of the IQSEC2 protein (p.Thr562Ala). This variant is not present in population databases (gnomAD no frequency). This variant has not been reported in the literature in individuals affected with IQSEC2-related conditions. ClinVar contains an entry for this variant (Variation ID: 1370141). Advanced modeling of protein sequence and biophysical properties (such as structural, functional, and spatial information, amino acid conservation, physicochemical variation, residue mobility, and thermodynamic stability) performed at Invitae indicates that this missense variant is not expected to disrupt IQSEC2 protein function. In summary, the available evidence is currently insufficient to determine the role of this variant in disease. Therefore, it has been classified as a Variant of Uncertain Significance.